The following is an entry in ClinVar:

NM_001879.6(MASP1):c.1787G>T (p.Arg596Met)

Gene: MASP1 (MBL associated serine protease 1; minus strand). Cytogenetic location: 3q27.3.
Variant type: single nucleotide variant.
Coding change: c.1787G>T on transcript NM_001879.6 (MANE Plus Clinical); coding-DNA position 1787, G replaced by T.
Protein change: p.Arg596Met; replaces arginine 596 with methionine.
Molecular consequence: missense variant.
Genome position (GRCh38, 1-based): chr3:187,223,149, C>A on the plus strand (G>T on the coding strand, the complement: MASP1 is on the minus strand). VCF-style: chr3-187223149-C-A. GRCh37 (hg19) VCF-style: chr3-186940937-C-A.
Other names: short protein forms R596M.
Identifiers: ClinVar variation 2265138 (VCV002265138.3), dbSNP rs140576484, ClinGen allele CA2748788.

ClinVar aggregate classification (germline): Uncertain significance. Review status: criteria provided, multiple submitters, no conflicts (2 of 4 stars). 2 submissions from 2 submitters: Uncertain significance (2). Last evaluated 2025-03-12.

Conditions:
Inborn genetic diseases. Identifiers: MedGen C0950123, MeSH D030342.

Allele frequency attached by ClinVar (database versions not stated): 1000 Genomes Project 30x 0.00031; ESP Exome Variant Server 0.00046; ExAC 0.00008; 1000 Genomes Project 0.00040.
gnomAD v4.1: 133 of 1,614,148 alleles (0.0082%); highest among the groups gnomAD compares: African/African-American, 0.15%; no homozygotes.

Submissions (2):

GeneDx
Classification: Uncertain significance. Last evaluated: 2025-03-12. Review status: criteria provided, single submitter. Criteria: GeneDx Variant Classification Process June 2021. Collection method: clinical testing. Allele origin: germline. Affected: yes.
Comment: Has not been previously published as pathogenic or benign to our knowledge; In silico analysis indicates that this missense variant does not alter protein structure/function; In-silico analysis is inconclusive as to whether the variant alters gene splicing. In the absence of RNA/functional studies, the actual effect of this sequence change is unknown.; Reported using an alternate transcript of the gene

Ambry Genetics
Classification: Uncertain significance for Inborn genetic diseases. Last evaluated: 2022-11-30. Review status: criteria provided, single submitter. Criteria: Ambry Variant Classification Scheme 2023. Collection method: clinical testing. Allele origin: germline.